The following is an entry in ClinVar:

ClinVar aggregate classification (germline): Pathogenic/Likely pathogenic. Review status: criteria provided, multiple submitters, no conflicts (2 of 4 stars). 2 submissions from 2 submitters: Pathogenic (1); Likely pathogenic (1). Last evaluated 2025-09-08.

Conditions:
Fanconi anemia complementation group A (FANCA). Also called: Fanconi anemia, group A; FANCA-Related Fanconi Anemia. Identifiers: Orphanet 84, MedGen C3469521, MONDO:0009215, OMIM 227650.

Submissions (2):

Myriad Genetics, Inc.
Classification: Likely pathogenic for Fanconi anemia complementation group A. Last evaluated: 2025-09-08. Review status: criteria provided, single submitter. Criteria: Myriad Autosomal Dominant, Autosomal Recessive and X-Linked Classification Criteria (2023). Collection method: clinical testing. Allele origin: unknown.
Comment: NM_000135.2(FANCA):c.2151+1G>A is a variant in a canonical splice site classified as likely pathogenic in the context of Fanconi anemia complementation group A. c.2151+1G>A has not been observed in cases with relevant disease. Relevant functional assessments of this variant are not available in the literature. c.2151+1G>A has not been observed in referenced population frequency databases. In summary, NM_000135.2(FANCA):c.2151+1G>A is a variant in a canonical splice site in a gene where loss of function is a known mechanism of disease and is predicted to disrupt protein function. Please note: this variant was assessed in the context of healthy population screening.

Genetic Services Laboratory, University of Chicago
Classification: Pathogenic for Fanconi anemia, complementation group A. Last evaluated: 2017-02-03. Review status: criteria provided, single submitter. Criteria: ACMG Guidelines, 2015. Collection method: clinical testing. Allele origin: germline. Affected: yes.

NM_000135.4(FANCA):c.2151+1G>A

Gene: FANCA (FA complementation group A; minus strand). Cytogenetic location: 16q24.3.
Variant type: single nucleotide variant.
Coding change: c.2151+1G>A on transcript NM_000135.4 (MANE Select); the canonical splice donor site of the intron after coding-DNA position 2151, G replaced by A.
Molecular consequence: splice donor variant.
Genome position (GRCh38, 1-based): chr16:89,771,677, C>T on the plus strand (G>A on the coding strand, the complement: FANCA is on the minus strand). VCF-style: chr16-89771677-C-T. GRCh37 (hg19) VCF-style: chr16-89838085-C-T.
Other names: c.2151+1G>A (NM_001286167.3).
Identifiers: ClinVar variation 435130 (VCV000435130.7), dbSNP rs1555548428, ClinGen allele CA397447830.